The following is an entry in ClinVar:

ClinVar aggregate classification (germline): Pathogenic (1 of 4 stars; one submission).

Conditions:
X-linked agammaglobulinemia with growth hormone deficiency (IGHD3). Also called: AGAMMAGLOBULINEMIA AND ISOLATED GROWTH HORMONE DEFICIENCY, X-LINKED; ISOLATED GROWTH HORMONE DEFICIENCY, TYPE III, WITH AGAMMAGLOBULINEMIA; FLEISHER SYNDROME; HYPOGAMMAGLOBULINEMIA AND ISOLATED GROWTH HORMONE DEFICIENCY, X-LINKED; IGHD III; Isolated growth hormone deficiency type 3. Identifiers: Orphanet 231692, Orphanet 631, MedGen C0472813, MONDO:0010615, OMIM 307200.

Submission:

Labcorp Genetics (formerly Invitae), Labcorp
Classification: Pathogenic for X-linked agammaglobulinemia with growth hormone deficiency. Last evaluated: 2023-04-07. Review status: criteria provided, single submitter. Criteria: Invitae Variant Classification Sherloc (09022015). Collection method: clinical testing. Allele origin: germline.
Comment: This variant has not been reported in the literature in individuals affected with BTK-related conditions. This variant is not present in population databases (gnomAD no frequency). This sequence change creates a premature translational stop signal (p.Leu153Thrfs*42) in the BTK gene. It is expected to result in an absent or disrupted protein product. Loss-of-function variants in BTK are known to be pathogenic (PMID: 15661032, 16862044, 19419768). For these reasons, this variant has been classified as Pathogenic.

Literature cited by the submitters: PubMed 15661032; PubMed 16862044; PubMed 19419768.

NM_000061.3(BTK):c.456_457insACTT (p.Leu153fs)

Gene: BTK (Bruton tyrosine kinase; minus strand). Cytogenetic location: Xq22.1.
Variant type: Insertion.
Coding change: c.456_457insACTT on transcript NM_000061.3 (MANE Select); coding-DNA positions 456 to 457, ACTT inserted.
Protein change: p.Leu153fs; shifts the reading frame from leucine 153.
Molecular consequence: frameshift variant.
Genome position: GRCh38 VCF-style: chrX-101362624-G-GAAGT. GRCh37 (hg19) VCF-style: chrX-100617612-G-GAAGT.
Other names: c.558_559insACTT, p.Leu187fs (NM_001287344.2); c.456_457insACTT, p.Leu153fs (NM_001287345.2); short protein forms L153fs, L187fs.
Identifiers: ClinVar variation 2853386 (VCV002853386.3), dbSNP rs2520611413, ClinGen allele CA2739273645.